The following is an entry in ClinVar:

NM_020975.6(RET):c.1010A>G (p.Glu337Gly)

Gene: RET (ret proto-oncogene; plus strand). Cytogenetic location: 10q11.21.
Variant type: single nucleotide variant.
Coding change: c.1010A>G on transcript NM_020975.6 (MANE Select); coding-DNA position 1010, A replaced by G.
Protein change: p.Glu337Gly; replaces glutamic acid 337 with glycine.
Molecular consequence: missense variant. On other transcripts: intron variant (25).
Genome position (GRCh38, 1-based): chr10:43,106,518, A>G. VCF-style: chr10-43106518-A-G. GRCh37 (hg19) VCF-style: chr10-43601966-A-G.
Other names: c.248A>G, p.Glu83Gly (NM_001355216.2); c.1010A>G, p.Glu337Gly (NM_001406743.1, NM_001406744.1, NM_001406759.1 and 4 more transcripts); c.881A>G, p.Glu294Gly (NM_001406761.1, NM_001406762.1, NM_001406764.1 and 1 more transcripts); c.722A>G, p.Glu241Gly (NM_001406766.1, NM_001406767.1, NM_001406770.1); c.867+1325A>G (NM_001406772.1, NM_001406769.1); c.626-2513A>G (NM_001406773.1, NM_001406771.1); c.625+3889A>G (NM_001406782.1, NM_001406780.1, NM_001406779.1 and 3 more transcripts); c.738+1325A>G (NM_001406774.1); and 5 more; short protein forms E294G, E337G, E241G, E83G.
Identifiers: ClinVar variation 3658182 (VCV003658182.2).

ClinVar aggregate classification (germline): Uncertain significance (1 of 4 stars; one submission).

Conditions:
Multiple endocrine neoplasia, type 2 (MEN2). Identifiers: Orphanet 653, MedGen C4048306, MONDO:0019003. Disease mechanism: gain of function.

Submission:

Labcorp Genetics (formerly Invitae), Labcorp
Classification: Uncertain significance for Multiple endocrine neoplasia, type 2. Last evaluated: 2024-06-29. Review status: criteria provided, single submitter. Criteria: Invitae Variant Classification Sherloc (09022015). Collection method: clinical testing. Allele origin: germline.
Comment: This sequence change replaces glutamic acid, which is acidic and polar, with glycine, which is neutral and non-polar, at codon 337 of the RET protein (p.Glu337Gly). This variant is not present in population databases (gnomAD no frequency). This variant has not been reported in the literature in individuals affected with RET-related conditions. An algorithm developed to predict the effect of missense changes on protein structure and function (PolyPhen-2) suggests that this variant is likely to be tolerated. In summary, the available evidence is currently insufficient to determine the role of this variant in disease. Therefore, it has been classified as a Variant of Uncertain Significance.